The following is an entry in ClinVar:

ClinVar aggregate classification (germline): Benign. Review status: criteria provided, multiple submitters, no conflicts (2 of 4 stars). 4 submissions from 4 submitters: Benign (4). Last evaluated 2026-02-01.

Conditions:
Hypospadias 2, X-linked (HYSP2). Identifiers: Orphanet 440, MedGen C2677879, MONDO:0010423, OMIM 300758.

Allele frequency attached by ClinVar (database versions not stated): gnomAD 0.05313 and 0.05698; TOPMed 0.05925; gnomAD exomes 0.00527 and 0.01472; ExAC 0.01835; ESP Exome Variant Server 0.06021; 1000 Genomes Project 0.05404; 1000 Genomes Project 30x 0.05578.
gnomAD v4.1: 11,917 of 1,207,624 alleles (0.99%); highest among the groups gnomAD compares: African/African-American, 18%; 724 homozygotes.

Submissions (4):

Labcorp Genetics (formerly Invitae), Labcorp
Classification: Benign. Last evaluated: 2026-02-01. Review status: criteria provided, single submitter. Criteria: Invitae Variant Classification Sherloc (09022015). Collection method: clinical testing. Allele origin: germline.

Mendelics
Classification: Benign for Hypospadias 2, X-linked. Last evaluated: 2019-05-28. Review status: criteria provided, single submitter. Criteria: Mendelics Assertion Criteria 2017. Collection method: clinical testing. Allele origin: unknown.

Breakthrough Genomics
Classification: Benign. Review status: criteria provided, single submitter. Criteria: ACMG Guidelines, 2015. Collection method: not provided. Allele origin: germline. Inheritance: X-linked inheritance. Affected: yes.

Broad Center for Mendelian Genomics, Broad Institute of MIT and Harvard
Classification: Benign for Hypospadias 2, X-linked. Review status: criteria provided, single submitter. Criteria: ACMG Guidelines, 2015. Collection method: research. Allele origin: germline. Inheritance: X-linked inheritance. Affected: yes.
Comment: The p.Val505Ala variant, sometimes called p.Val432Ala or p.Val480Ala due to a difference in cDNA numbering, in MAMLD1 has been identified in an individual with hypospadias (PMID: 18635673), but has also been identified in >17% of African chromosomes, 348 hemizygotes, and 117 homozygotes by ExAC. In summary, this variant meets criteria to be classified as benign for X-linked recessive hypospadias.

NM_005491.5(MAMLD1):c.1514T>C (p.Val505Ala)

Gene: MAMLD1 (mastermind like domain containing 1; plus strand). Cytogenetic location: Xq28.
Variant type: single nucleotide variant.
Coding change: c.1514T>C on transcript NM_005491.5 (MANE Select); coding-DNA position 1514, T replaced by C.
Protein change: p.Val505Ala; replaces valine 505 with alanine.
Molecular consequence: missense variant.
Genome position (GRCh38, 1-based): chrX:150,471,087, T>C. VCF-style: chrX-150471087-T-C. GRCh37 (hg19) VCF-style: chrX-149639359-T-C.
Other names: c.1439T>C, p.Val480Ala (NM_001177465.3, NM_001177466.3, NM_001400514.1); c.1514T>C, p.Val505Ala (NM_001400512.1, NM_001400513.1, NM_001400515.1); short protein forms V480A, V505A.
Identifiers: ClinVar variation 804096 (VCV000804096.11), dbSNP rs61740566, ClinGen allele CA10538815.